The following is an entry in ClinVar:

NM_020433.5(JPH2):c.1430C>G (p.Thr477Ser)

Gene: JPH2 (junctophilin 2; minus strand). Cytogenetic location: 20q13.12.
Variant type: single nucleotide variant.
Coding change: c.1430C>G on transcript NM_020433.5 (MANE Select); coding-DNA position 1430, C replaced by G.
Protein change: p.Thr477Ser; replaces threonine 477 with serine.
Molecular consequence: missense variant.
Genome position (GRCh38, 1-based): chr20:44,116,245, G>C on the plus strand (C>G on the coding strand, the complement: JPH2 is on the minus strand). VCF-style: chr20-44116245-G-C. GRCh37 (hg19) VCF-style: chr20-42744885-G-C.
Other names: c.1430C>G (NM_020433.4); short protein forms T477S.
Identifiers: ClinVar variation 1426560 (VCV001426560.7), dbSNP rs1442070249, ClinGen allele CA409100642.

ClinVar aggregate classification (germline): Uncertain significance. Review status: criteria provided, multiple submitters, no conflicts (2 of 4 stars). 2 submissions from 2 submitters: Uncertain significance (2). Last evaluated 2025-02-06.

Conditions:
Cardiovascular phenotype. Identifiers: MedGen CN230736.
Hypertrophic cardiomyopathy. Also called: HYPERTROPHIC MYOCARDIOPATHY. Identifiers: Orphanet 217569, MedGen C0007194, MeSH D002312, MONDO:0005045, HP:0001639.

Allele frequency attached by ClinVar (database versions not stated): gnomAD 0.00001; TOPMed 0.00001.

Submissions (2):

Ambry Genetics
Classification: Uncertain significance for Cardiovascular phenotype. Last evaluated: 2025-02-06. Review status: criteria provided, single submitter. Criteria: Ambry Variant Classification Scheme 2023. Collection method: clinical testing. Allele origin: germline.
Comment: The p.T477S variant (also known as c.1430C>G), located in coding exon 4 of the JPH2 gene, results from a C to G substitution at nucleotide position 1430. The threonine at codon 477 is replaced by serine, an amino acid with similar properties. This amino acid position is conserved. In addition, this alteration is predicted to be tolerated by in silico analysis. Based on the available evidence, the clinical significance of this variant remains unclear.

Labcorp Genetics (formerly Invitae), Labcorp
Classification: Uncertain significance for Hypertrophic cardiomyopathy. Last evaluated: 2024-10-18. Review status: criteria provided, single submitter. Criteria: Invitae Variant Classification Sherloc (09022015). Collection method: clinical testing. Allele origin: germline.
Comment: This sequence change replaces threonine, which is neutral and polar, with serine, which is neutral and polar, at codon 477 of the JPH2 protein (p.Thr477Ser). This variant is not present in population databases (gnomAD no frequency). This variant has not been reported in the literature in individuals affected with JPH2-related conditions. ClinVar contains an entry for this variant (Variation ID: 1426560). An algorithm developed to predict the effect of missense changes on protein structure and function (PolyPhen-2) suggests that this variant is likely to be tolerated. In summary, the available evidence is currently insufficient to determine the role of this variant in disease. Therefore, it has been classified as a Variant of Uncertain Significance.